The following is an entry in ClinVar:

ClinVar aggregate classification (germline): Uncertain significance. Review status: criteria provided, multiple submitters, no conflicts (2 of 4 stars). 3 submissions from 3 submitters: Uncertain significance (3). Last evaluated 2025-12-22.

Conditions:
Hereditary pheochromocytoma and paraganglioma. Also called: Hereditary paragangliomas and pheochromocytomas; Hereditary Paraganglioma-Pheochromocytoma Syndromes; Hereditary pheochromocytoma-paraganglioma. Identifiers: Orphanet 29072, MedGen C4274332, MONDO:0017366.
Pheochromocytoma/paraganglioma syndrome 2. Also called: SDHAF2-Related Hereditary Paraganglioma-Pheochromocytoma Syndrome; GLOMUS TUMORS, FAMILIAL, 2; Paragangliomas 2; SDHAF2-Related Hereditary Paraganglioma-Pheochromocytoma Syndrome (Paragangliomas 2). Identifiers: Orphanet 29072, MedGen C1866552, MONDO:0011121, OMIM 601650.
Hereditary cancer-predisposing syndrome. Also called: Tumor predisposition; Hereditary Cancer Syndrome; Hereditary neoplastic syndrome; Neoplastic Syndromes, Hereditary. Identifiers: Orphanet 140162, MedGen C0027672, MeSH D009386, MONDO:0015356.

gnomAD v4.1: 1 of 1,614,188 alleles (0.000062%); highest among the groups gnomAD compares: Admixed American, 0.0017%; no homozygotes.

Submissions (3):

Labcorp Genetics (formerly Invitae), Labcorp
Classification: Uncertain significance for Hereditary pheochromocytoma and paraganglioma. Last evaluated: 2025-12-22. Review status: criteria provided, single submitter. Criteria: Invitae Variant Classification Sherloc (09022015). Collection method: clinical testing. Allele origin: germline.
Comment: This sequence change replaces serine, which is neutral and polar, with tryptophan, which is neutral and slightly polar, at codon 11 of the SDHAF2 protein (p.Ser11Trp). This variant is not present in population databases (gnomAD no frequency). This variant has not been reported in the literature in individuals affected with SDHAF2-related conditions. ClinVar contains an entry for this variant (Variation ID: 1392150). An algorithm developed to predict the effect of missense changes on protein structure and function (PolyPhen-2) suggests that this variant is likely to be tolerated. In summary, the available evidence is currently insufficient to determine the role of this variant in disease. Therefore, it has been classified as a Variant of Uncertain Significance.

Baylor Genetics
Classification: Uncertain significance for Pheochromocytoma/paraganglioma syndrome 2. Last evaluated: 2024-01-30. Review status: criteria provided, single submitter. Criteria: ACMG Guidelines, 2015. Collection method: clinical testing. Allele origin: unknown.

Ambry Genetics
Classification: Uncertain significance for Hereditary cancer-predisposing syndrome. Last evaluated: 2022-10-11. Review status: criteria provided, single submitter. Criteria: Ambry Variant Classification Scheme 2023. Collection method: clinical testing. Allele origin: germline.
Comment: The p.S11W variant (also known as c.32C>G), located in coding exon 1 of the SDHAF2 gene, results from a C to G substitution at nucleotide position 32. The serine at codon 11 is replaced by tryptophan, an amino acid with highly dissimilar properties. This amino acid position is conserved. In addition, this alteration is predicted to be tolerated by in silico analysis. Since supporting evidence is limited at this time, the clinical significance of this alteration remains unclear.

NM_017841.4(SDHAF2):c.32C>G (p.Ser11Trp)

Gene: SDHAF2 (succinate dehydrogenase complex assembly factor 2; plus strand). Cytogenetic location: 11q12.2.
Variant type: single nucleotide variant.
Coding change: c.32C>G on transcript NM_017841.4 (MANE Select); coding-DNA position 32, C replaced by G.
Protein change: p.Ser11Trp; replaces serine 11 with tryptophan.
Molecular consequence: missense variant.
Genome position (GRCh38, 1-based): chr11:61,430,178, C>G. VCF-style: chr11-61430178-C-G. GRCh37 (hg19) VCF-style: chr11-61197650-C-G.
Other names: short protein forms S11W.
Identifiers: ClinVar variation 1392150 (VCV001392150.10), dbSNP rs148425779, ClinGen allele CA380680213.
Genomic context (GRCh38, chr11:61,430,178, plus strand): 5'-GCAGCCGGTTTCCGGTGCAGGTGGGGAAAATGGCGGTGTCTACAGTGTTCTCGACTTCGT[C>G]GCTGGTGAGGAGAGAGAACGTTCTAGCGTCCGGGGCGGGCGGCAGCGGGGATTACCCTTT-3'
Protein context (NP_060311.1, residues 1-21): MAVSTVFSTS[Ser11Trp]LMLALSRHSL